The following is an entry in ClinVar:

NM_006662.3(SRCAP):c.547G>A (p.Ala183Thr)

Gene: SRCAP (Snf2 related CREBBP activator protein; plus strand). Cytogenetic location: 16p11.2.
Variant type: single nucleotide variant.
Coding change: c.547G>A on transcript NM_006662.3 (MANE Select); coding-DNA position 547, G replaced by A.
Protein change: p.Ala183Thr; replaces alanine 183 with threonine.
Molecular consequence: missense variant.
Genome position (GRCh38, 1-based): chr16:30,707,626, G>A. VCF-style: chr16-30707626-G-A. GRCh37 (hg19) VCF-style: chr16-30718947-G-A.
Other names: short protein forms A183T.
Identifiers: ClinVar variation 4074449 (VCV004074449.1).

ClinVar aggregate classification (germline): Uncertain significance (1 of 4 stars; one submission).

Submission:

GeneDx
Classification: Uncertain significance. Last evaluated: 2025-01-30. Review status: criteria provided, single submitter. Criteria: GeneDx Variant Classification Process June 2021. Collection method: clinical testing. Allele origin: germline. Affected: yes.
Comment: Not observed at significant frequency in large population cohorts (gnomAD); In silico analysis supports that this missense variant has a deleterious effect on protein structure/function; Has not been previously published as pathogenic or benign to our knowledge